The following is an entry in ClinVar:

NM_000069.3(CACNA1S):c.1759T>G (p.Phe587Val)

Gene: CACNA1S (calcium voltage-gated channel subunit alpha1 S; minus strand). Cytogenetic location: 1q32.1.
Variant type: single nucleotide variant.
Coding change: c.1759T>G on transcript NM_000069.3 (MANE Select); coding-DNA position 1759, T replaced by G.
Protein change: p.Phe587Val; replaces phenylalanine 587 with valine.
Molecular consequence: missense variant.
Genome position (GRCh38, 1-based): chr1:201,076,988, A>C on the plus strand (T>G on the coding strand, the complement: CACNA1S is on the minus strand). VCF-style: chr1-201076988-A-C. GRCh37 (hg19) VCF-style: chr1-201046116-A-C.
Other names: short protein forms F587V.
Identifiers: ClinVar variation 4689834 (VCV004689834.1).

ClinVar aggregate classification (germline): Uncertain significance (1 of 4 stars; one submission).

Submission:

GeneDx
Classification: Uncertain significance. Last evaluated: 2025-07-29. Review status: criteria provided, single submitter. Criteria: GeneDx Variant Classification Process June 2021. Collection method: clinical testing. Allele origin: germline. Affected: yes.
Comment: Not observed at significant frequency in large population cohorts (gnomAD); In silico analysis supports that this missense variant has a deleterious effect on protein structure/function; Has not been previously published as pathogenic or benign to our knowledge